The following is an entry in ClinVar:

ClinVar aggregate classification (germline): Uncertain significance (1 of 4 stars; one submission).

Submission:

Greenwood Genetic Center Diagnostic Laboratories, Greenwood Genetic Center
Classification: Uncertain significance. Last evaluated: 2022-08-18. Review status: criteria provided, single submitter. Criteria: ACMG Guidelines, 2015. Collection method: clinical testing. Allele origin: germline. Affected: yes.
Comment: Gene of Uncertain Significance

NM_015409.5(EP400):c.1120C>T (p.Gln374Ter)

Gene: EP400 (E1A binding protein p400; plus strand). Cytogenetic location: 12q24.33.
Variant type: single nucleotide variant.
Coding change: c.1120C>T on transcript NM_015409.5 (MANE Select); coding-DNA position 1120, C replaced by T.
Protein change: p.Gln374Ter; replaces glutamine 374 with a stop codon.
Molecular consequence: nonsense.
Genome position (GRCh38, 1-based): chr12:131,961,739, C>T. VCF-style: chr12-131961739-C-T. GRCh37 (hg19) VCF-style: chr12-132446284-C-T.
Other names: short protein forms Q374*.
Identifiers: ClinVar variation 1710362 (VCV001710362.3), dbSNP rs2540896095, ClinGen allele CA387286907.
Genomic context (GRCh38, chr12:131,961,739, plus strand): 5'-ATTCCCCCAGCCTCTCCGGAGATGGCACAGATGAGGAAGCAGTGCCTGGACTATCATTAC[C>T]AGGAGATGCAGGCTCTGAAGGAGGTCTTCAAGGAGTATTTGATTGAACTGTTTTTCTTGC-3'